The following is an entry in ClinVar:

NM_016247.4(IMPG2):c.276C>G (p.Cys92Trp)

Gene: IMPG2 (interphotoreceptor matrix proteoglycan 2; minus strand). Cytogenetic location: 3q12.3.
Variant type: single nucleotide variant.
Coding change: c.276C>G on transcript NM_016247.4 (MANE Select); coding-DNA position 276, C replaced by G.
Protein change: p.Cys92Trp; replaces cysteine 92 with tryptophan.
Molecular consequence: missense variant.
Genome position (GRCh38, 1-based): chr3:101,319,642, G>C on the plus strand (C>G on the coding strand, the complement: IMPG2 is on the minus strand). VCF-style: chr3-101319642-G-C. GRCh37 (hg19) VCF-style: chr3-101038486-G-C.
Other names: short protein forms C92W.
Identifiers: ClinVar variation 1441310 (VCV001441310.8), dbSNP rs913488266, ClinGen allele CA353857759.

ClinVar aggregate classification (germline): Uncertain significance (1 of 4 stars; one submission).

Submission:

Labcorp Genetics (formerly Invitae), Labcorp
Classification: Uncertain significance. Last evaluated: 2021-05-30. Review status: criteria provided, single submitter. Criteria: Invitae Variant Classification Sherloc (09022015). Collection method: clinical testing. Allele origin: germline.
Comment: In summary, the available evidence is currently insufficient to determine the role of this variant in disease. Therefore, it has been classified as a Variant of Uncertain Significance. Algorithms developed to predict the effect of missense changes on protein structure and function (SIFT, PolyPhen-2, Align-GVGD) all suggest that this variant is likely to be disruptive, but these predictions have not been confirmed by published functional studies and their clinical significance is uncertain. This variant has not been reported in the literature in individuals with IMPG2-related conditions. This variant is not present in population databases (ExAC no frequency). This sequence change replaces cysteine with tryptophan at codon 92 of the IMPG2 protein (p.Cys92Trp). The cysteine residue is highly conserved and there is a large physicochemical difference between cysteine and tryptophan.